The following is an entry in ClinVar:

ClinVar aggregate classification (germline): Uncertain significance (1 of 4 stars; one submission).

Conditions:
Leber congenital amaurosis 4 (LCA4). Identifiers: MedGen C1858386, MONDO:0011458, OMIM 604393.

Allele frequency attached by ClinVar (database versions not stated): gnomAD exomes below 0.00001.

Submission:

Labcorp Genetics (formerly Invitae), Labcorp
Classification: Uncertain significance for Leber congenital amaurosis 4. Last evaluated: 2022-07-13. Review status: criteria provided, single submitter. Criteria: Invitae Variant Classification Sherloc (09022015). Collection method: clinical testing. Allele origin: germline.
Comment: This sequence change falls in intron 3 of the AIPL1 gene. It does not directly change the encoded amino acid sequence of the AIPL1 protein. It affects a nucleotide within the consensus splice site. This variant is present in population databases (no rsID available, gnomAD 0.006%). This variant has not been reported in the literature in individuals affected with AIPL1-related conditions. Variants that disrupt the consensus splice site are a relatively common cause of aberrant splicing (PMID: 17576681, 9536098). Algorithms developed to predict the effect of sequence changes on RNA splicing suggest that this variant is not likely to affect RNA splicing. In summary, the available evidence is currently insufficient to determine the role of this variant in disease. Therefore, it has been classified as a Variant of Uncertain Significance.

Literature cited by the submitters: PubMed 17576681; PubMed 9536098.

NM_014336.5(AIPL1):c.465+4G>A

Gene: AIPL1 (AIP like 1 HSP90 co-chaperone; minus strand). Cytogenetic location: 17p13.2.
Variant type: single nucleotide variant.
Coding change: c.465+4G>A on transcript NM_014336.5 (MANE Select); 4 bases into the intron after coding-DNA position 465, G replaced by A.
Molecular consequence: intron variant.
Genome position (GRCh38, 1-based): chr17:6,428,314, C>T on the plus strand (G>A on the coding strand, the complement: AIPL1 is on the minus strand). VCF-style: chr17-6428314-C-T. GRCh37 (hg19) VCF-style: chr17-6331634-C-T.
Other names: c.285+4G>A (NM_001033055.3); c.399+4G>A (NM_001285400.3); c.429+4G>A (NM_001285399.3); c.277-1257G>A (NM_001033054.3); c.465+4G>A (NM_001285401.3, NM_001285403.4); c.348+4G>A (NM_001285402.2).
Identifiers: ClinVar variation 2177168 (VCV002177168.1), dbSNP rs1447302639, ClinGen allele CA624859277.